The following is an entry in ClinVar:

ClinVar aggregate classification (germline): Likely benign. Review status: criteria provided, single submitter (1 of 4 stars). 2 submissions from 2 submitters: Likely benign (1). 1 of the submissions does not count toward it. Last evaluated 2025-12-10.

Conditions:
GLIS3-related disorder. Also called: GLIS3-related condition.

gnomAD v4.1: 54 of 1,576,508 alleles (0.0034%); highest among the groups gnomAD compares: Non-Finnish European, 0.0043%; no homozygotes.

Submissions (2):

Labcorp Genetics (formerly Invitae), Labcorp
Classification: Likely benign. Last evaluated: 2025-12-10. Review status: criteria provided, single submitter. Criteria: Invitae Variant Classification Sherloc (09022015). Collection method: clinical testing. Allele origin: germline.

PreventionGenetics, part of Exact Sciences
Classification: Likely benign for GLIS3-related condition. Last evaluated: 2019-07-12. Review status: no assertion criteria provided. Collection method: clinical testing. Allele origin: germline. Not counted in ClinVar's aggregate classification.
Comment: This variant is classified as likely benign based on ACMG/AMP sequence variant interpretation guidelines (Richards et al. 2015 PMID: 25741868, with internal and published modifications).

NM_001042413.2(GLIS3):c.1290C>T (p.Thr430=)

Gene: GLIS3 (GLIS family zinc finger 3; minus strand). Cytogenetic location: 9p24.2.
Variant type: single nucleotide variant.
Coding change: c.1290C>T on transcript NM_001042413.2 (MANE Select); coding-DNA position 1290, C replaced by T.
Protein change: p.Thr430=; no amino-acid change (threonine 430 retained).
Molecular consequence: synonymous variant.
Genome position (GRCh38, 1-based): chr9:4,118,188, G>A on the plus strand (C>T on the coding strand, the complement: GLIS3 is on the minus strand). VCF-style: chr9-4118188-G-A. GRCh37 (hg19) VCF-style: chr9-4118188-G-A.
Other names: c.825C>T, p.Thr275= (NM_152629.4).
Identifiers: ClinVar variation 3351236 (VCV003351236.2).
Genomic context (GRCh38, chr9:4,118,188, plus strand): 5'-AGGGAGCGGAGGCGCGGGGGGTAGGTCTACGGTGCTGCCCGGGAACTCCTCCAGGCGTTC[G>A]GTCTTGAACAGGCCGGCCGACTGGCTGTCGGGGCCCGGCAGGCCATGCTGCACCACCATG-3'
Protein context (NP_001035878.1, residues 420-440): PDSQSAGLFK[Thr430=]ERLEEFPGST